The following is an entry in ClinVar:

ClinVar aggregate classification (germline): Conflicting classifications of pathogenicity. Review status: criteria provided, conflicting classifications (1 of 4 stars). 4 submissions from 4 submitters: Uncertain significance (2); Likely benign (2). Last evaluated 2025-05-27.

Conditions:
OTOGL-related disorder. Also called: OTOGL-related condition.
Inborn genetic diseases. Identifiers: MedGen C0950123, MeSH D030342.

Allele frequency attached by ClinVar (database versions not stated): gnomAD exomes 0.00017; ExAC 0.00043; ESP Exome Variant Server 0.00065; gnomAD 0.00066 and 0.00074; 1000 Genomes Project 0.00080; TOPMed 0.00080; 1000 Genomes Project 30x 0.00094.
gnomAD v4.1: 184 of 1,598,184 alleles (0.012%); highest among the groups gnomAD compares: African/African-American, 0.21%; no homozygotes.

Submissions (4):

GeneDx
Classification: Uncertain significance. Last evaluated: 2025-05-27. Review status: criteria provided, single submitter. Criteria: GeneDx Variant Classification Process June 2021. Collection method: clinical testing. Allele origin: germline. Affected: yes.
Comment: In silico analysis supports that this missense variant has a deleterious effect on protein structure/function; Has not been previously published as pathogenic or benign to our knowledge

Labcorp Genetics (formerly Invitae), Labcorp
Classification: Likely benign. Last evaluated: 2025-03-06. Review status: criteria provided, single submitter. Criteria: Invitae Variant Classification Sherloc (09022015). Collection method: clinical testing. Allele origin: germline.

PreventionGenetics, part of Exact Sciences
Classification: Likely benign for OTOGL-related condition. Last evaluated: 2025-02-06. Review status: criteria provided, single submitter. Criteria: ACMG Guidelines, 2015. Collection method: clinical testing. Allele origin: germline.
Comment: This variant is classified as likely benign based on ACMG/AMP sequence variant interpretation guidelines (Richards et al. 2015 PMID: 25741868, with internal and published modifications).

Ambry Genetics
Classification: Uncertain significance for Inborn genetic diseases. Last evaluated: 2021-08-09. Review status: criteria provided, single submitter. Criteria: Ambry Variant Classification Scheme 2023. Collection method: clinical testing. Allele origin: germline.

NM_001378609.3(OTOGL):c.1284T>A (p.Asp428Glu)

Gene: OTOGL (otogelin like; plus strand). Cytogenetic location: 12q21.31.
Variant type: single nucleotide variant.
Coding change: c.1284T>A on transcript NM_001378609.3 (MANE Select); coding-DNA position 1284, T replaced by A.
Protein change: p.Asp428Glu; replaces aspartic acid 428 with glutamic acid.
Molecular consequence: missense variant.
Genome position (GRCh38, 1-based): chr12:80,252,200, T>A. VCF-style: chr12-80252200-T-A. GRCh37 (hg19) VCF-style: chr12-80645980-T-A.
Other names: c.1284T>A, p.Asp428Glu (NM_001368062.3, NM_001378610.3, NM_173591.7); short protein forms D419E, D428E.
Identifiers: ClinVar variation 715652 (VCV000715652.15), dbSNP rs202061419, ClinGen allele CA6700406.
Genomic context (GRCh38, chr12:80,252,200, plus strand): 5'-ATTTGAGAAGCAATGTCTTGGGAGCAATCTCCATTGTCTTGATGGATGTTACTGCCCAGA[T>A]GGTAAGTGCTTCATGAAGAAACCATGTCTGCACTCATGGAAACTAGTACCCAGTGATCTA-3'
Protein context (NP_001365538.2, residues 418-438): LHCLDGCYCP[Asp428Glu]GLVMDNGTCI